The following is an entry in ClinVar:

NM_001136035.4(TRMT1):c.967C>T (p.Arg323Cys)

Gene: TRMT1 (tRNA methyltransferase 1; minus strand). Cytogenetic location: 19p13.13.
Variant type: single nucleotide variant.
Coding change: c.967C>T on transcript NM_001136035.4 (MANE Select); coding-DNA position 967, C replaced by T.
Protein change: p.Arg323Cys; replaces arginine 323 with cysteine.
Molecular consequence: missense variant.
Genome position (GRCh38, 1-based): chr19:13,110,210, G>A on the plus strand (C>T on the coding strand, the complement: TRMT1 is on the minus strand). VCF-style: chr19-13110210-G-A. GRCh37 (hg19) VCF-style: chr19-13221024-G-A.
Other names: NC_000019.9:g.13221024G>A; c.967C>T, p.Arg323Cys (NM_001142554.3, NM_001351760.2, NM_017722.5); c.859C>T, p.Arg287Cys (NM_001351761.2); c.184C>T, p.Arg62Cys (NM_001351762.2); c.967C>T (NM_001136035.2); short protein forms R323C, R287C, R62C.
Identifiers: ClinVar variation 191099 (VCV000191099.4), dbSNP rs542184779, ClinGen allele CA236009.

ClinVar aggregate classification (germline): Likely pathogenic. Review status: criteria provided, single submitter (1 of 4 stars). 2 submissions from 1 submitter: Likely pathogenic (1). 1 of the submissions does not count toward it. Last evaluated 2024-03-17.

Conditions:
Intellectual developmental disorder, autosomal recessive 68. Also called: MENTAL RETARDATION, AUTOSOMAL RECESSIVE 68. Identifiers: MedGen C4749033, MONDO:0032665, OMIM 618302.

Allele frequency attached by ClinVar (database versions not stated): TOPMed 0.00001; gnomAD exomes 0.00002 and 0.00001; ExAC 0.00002.

Submissions (3):

Genomic Medicine Center of Excellence, King Faisal Specialist Hospital and Research Centre
Classification: Likely pathogenic for Intellectual developmental disorder, autosomal recessive 68. Last evaluated: 2024-03-17. Review status: criteria provided, single submitter. Criteria: ACMG Guidelines, 2015. Collection method: research. Allele origin: germline.

Dr. Peter K. Rogan Lab, Western University
No classification provided (evidence only). Condition: Squamous cell carcinoma of the head and neck. Review status: no classification provided. Collection method: in vitro. Allele origin: not applicable. Functional consequence: retained intron. Not counted in ClinVar's aggregate classification.

Genomic Medicine Center of Excellence, King Faisal Specialist Hospital and Research Centre
Classification: Likely pathogenic. Review status: flagged submission. Criteria: ACMG Guidelines, 2015. Collection method: research. Allele origin: germline. Affected: yes. Not counted in ClinVar's aggregate classification.
ClinVar note: Reason: This record appears to be redundant with a more recent record from the same submitter.
ClinVar note: Notes: SCV000221475 appears to be redundant with SCV004804659.